The following is an entry in ClinVar:

ClinVar aggregate classification (germline): Pathogenic (1 of 4 stars; one submission).

Allele frequency attached by ClinVar (database versions not stated): gnomAD exomes below 0.00001; gnomAD 0.00002; TOPMed 0.00002.
gnomAD v4.1: 9 of 1,613,632 alleles (0.00056%); highest among the groups gnomAD compares: African/African-American, 0.0053%; no homozygotes.

Submission:

Labcorp Genetics (formerly Invitae), Labcorp
Classification: Pathogenic. Last evaluated: 2024-01-09. Review status: criteria provided, single submitter. Criteria: Invitae Variant Classification Sherloc (09022015). Collection method: clinical testing. Allele origin: germline.
Comment: This sequence change creates a premature translational stop signal (p.Arg138*) in the COL17A1 gene. It is expected to result in an absent or disrupted protein product. Loss-of-function variants in COL17A1 are known to be pathogenic (PMID: 16473856, 17344927, 20301304, 21357940, 24319098). This variant is present in population databases (no rsID available, gnomAD 0.01%). This premature translational stop signal has been observed in individual(s) with junctional epidermolysis bullosa (PMID: 33393081). For these reasons, this variant has been classified as Pathogenic.

Literature cited by the submitters: PubMed 16473856; PubMed 17344927; PubMed 20301304; PubMed 21357940; PubMed 24319098; PubMed 33393081.

NM_000494.4(COL17A1):c.412C>T (p.Arg138Ter)

Gene: COL17A1 (collagen type XVII alpha 1 chain; minus strand). Cytogenetic location: 10q25.1.
Variant type: single nucleotide variant.
Coding change: c.412C>T on transcript NM_000494.4 (MANE Select); coding-DNA position 412, C replaced by T.
Protein change: p.Arg138Ter; replaces arginine 138 with a stop codon.
Molecular consequence: nonsense.
Genome position (GRCh38, 1-based): chr10:104,073,213, G>A on the plus strand (C>T on the coding strand, the complement: COL17A1 is on the minus strand). VCF-style: chr10-104073213-G-A. GRCh37 (hg19) VCF-style: chr10-105832971-G-A.
Other names: short protein forms R138*.
Identifiers: ClinVar variation 2989636 (VCV002989636.3), dbSNP rs1490336426, ClinGen allele CA378080101.
Genomic context (GRCh38, chr10:104,073,213, plus strand): 5'-AACTTCTCAGAAAATACTTGTTGAATGAATTGGACTGAACCCAGTGACAGCACTCACCTC[G>A]TGTTTGACTCCGTCCTCTGGTTGAAGAAGATGCTGAGAAACAAAGAAATGCATTTTTAGG-3'